The following is an entry in ClinVar:

NM_006206.6(PDGFRA):c.437C>A (p.Ala146Asp)

Gene: PDGFRA (platelet derived growth factor receptor alpha; plus strand). Cytogenetic location: 4q12.
Variant type: single nucleotide variant.
Coding change: c.437C>A on transcript NM_006206.6 (MANE Select); coding-DNA position 437, C replaced by A.
Protein change: p.Ala146Asp; replaces alanine 146 with aspartic acid.
Molecular consequence: missense variant.
Genome position (GRCh38, 1-based): chr4:54,263,736, C>A. VCF-style: chr4-54263736-C-A. GRCh37 (hg19) VCF-style: chr4-55129903-C-A.
Other names: c.437C>A, p.Ala146Asp (NM_001347827.2, NM_001347829.2); c.512C>A, p.Ala171Asp (NM_001347828.2); c.476C>A, p.Ala159Asp (NM_001347830.2); short protein forms A146D, A159D, A171D.
Identifiers: ClinVar variation 459101 (VCV000459101.11), dbSNP rs1249349361, ClinGen allele CA356889826.

ClinVar aggregate classification (germline): Uncertain significance. Review status: criteria provided, multiple submitters, no conflicts (2 of 4 stars). 2 submissions from 2 submitters: Uncertain significance (2). Last evaluated 2022-05-27.

Conditions:
Hereditary cancer-predisposing syndrome. Also called: Tumor predisposition; Hereditary neoplastic syndrome; Neoplastic Syndromes, Hereditary; Hereditary Cancer Syndrome. Identifiers: Orphanet 140162, MedGen C0027672, MeSH D009386, MONDO:0015356.
Gastrointestinal stromal tumor. Also called: Gastrointestinal stroma tumor; Gastrointestinal stromal tumor, somatic. Identifiers: Orphanet 44890, MedGen C0238198, MeSH D046152, MONDO:0011719, OMIM 606764, HP:0100723.

Submissions (2):

Labcorp Genetics (formerly Invitae), Labcorp
Classification: Uncertain significance for Gastrointestinal stromal tumor. Last evaluated: 2022-05-27. Review status: criteria provided, single submitter. Criteria: Invitae Variant Classification Sherloc (09022015). Collection method: clinical testing. Allele origin: germline.
Comment: In summary, the available evidence is currently insufficient to determine the role of this variant in disease. Therefore, it has been classified as a Variant of Uncertain Significance. This variant has not been reported in the literature in individuals affected with PDGFRA-related conditions. Algorithms developed to predict the effect of missense changes on protein structure and function are either unavailable or do not agree on the potential impact of this missense change (SIFT: "Deleterious"; PolyPhen-2: "Benign"; Align-GVGD: "Class C0"). ClinVar contains an entry for this variant (Variation ID: 459101). This variant is not present in population databases (gnomAD no frequency). This sequence change replaces alanine, which is neutral and non-polar, with aspartic acid, which is acidic and polar, at codon 146 of the PDGFRA protein (p.Ala146Asp).

Ambry Genetics
Classification: Uncertain significance for Hereditary cancer-predisposing syndrome. Last evaluated: 2022-04-06. Review status: criteria provided, single submitter. Criteria: Ambry Variant Classification Scheme 2023. Collection method: clinical testing. Allele origin: germline.
Comment: The p.A146D variant (also known as c.437C>A), located in coding exon 3 of the PDGFRA gene, results from a C to A substitution at nucleotide position 437. The alanine at codon 146 is replaced by aspartic acid, an amino acid with dissimilar properties. This amino acid position is conserved. In addition, this alteration is predicted to be tolerated by in silico analysis. Since supporting evidence is limited at this time, the clinical significance of this alteration remains unclear.